The following is an entry in ClinVar:

NM_000258.3(MYL3):c.142C>G (p.Pro48Ala)

Gene: MYL3 (myosin light chain 3; minus strand). Cytogenetic location: 3p21.31.
Variant type: single nucleotide variant.
Coding change: c.142C>G on transcript NM_000258.3 (MANE Select); coding-DNA position 142, C replaced by G.
Protein change: p.Pro48Ala; replaces proline 48 with alanine.
Molecular consequence: missense variant.
Genome position (GRCh38, 1-based): chr3:46,860,975, G>C on the plus strand (C>G on the coding strand, the complement: MYL3 is on the minus strand). VCF-style: chr3-46860975-G-C. GRCh37 (hg19) VCF-style: chr3-46902465-G-C.
Other names: short protein forms P48A.
Identifiers: ClinVar variation 1307258 (VCV001307258.2), dbSNP rs2106910525, ClinGen allele CA352498854.

ClinVar aggregate classification (germline): Uncertain significance (1 of 4 stars; one submission).

Submission:

GeneDx
Classification: Uncertain significance. Last evaluated: 2019-07-22. Review status: criteria provided, single submitter. Criteria: GeneDx Variant Classification Process June 2021. Collection method: clinical testing. Allele origin: germline. Affected: yes.
Comment: Has not been previously published as pathogenic or benign to our knowledge; Not observed in large population cohorts (Lek et al., 2016); In silico analysis, which includes protein predictors and evolutionary conservation, supports that this variant does not alter protein structure/function